The following is an entry in ClinVar:

ClinVar aggregate classification (germline): Uncertain significance. Review status: criteria provided, multiple submitters, no conflicts (2 of 4 stars). 2 submissions from 2 submitters: Uncertain significance (2). Last evaluated 2025-09-10.

Conditions:
Inborn genetic diseases. Identifiers: MedGen C0950123, MeSH D030342.

Allele frequency attached by ClinVar (database versions not stated): TOPMed 0.00006; ExAC 0.00007; gnomAD exomes 0.00007; ESP Exome Variant Server 0.00008; gnomAD 0.00008.
gnomAD v4.1: 120 of 1,613,836 alleles (0.0074%); highest among the groups gnomAD compares: African/African-American, 0.012%; no homozygotes.

Submissions (2):

Ambry Genetics
Classification: Uncertain significance for Inborn genetic diseases. Last evaluated: 2025-09-10. Review status: criteria provided, single submitter. Criteria: Ambry Variant Classification Scheme 2023. Collection method: clinical testing. Allele origin: germline.

Labcorp Genetics (formerly Invitae), Labcorp
Classification: Uncertain significance. Last evaluated: 2025-07-07. Review status: criteria provided, single submitter. Criteria: Invitae Variant Classification Sherloc (09022015). Collection method: clinical testing. Allele origin: germline.
Comment: This sequence change replaces valine, which is neutral and non-polar, with isoleucine, which is neutral and non-polar, at codon 845 of the USP53 protein (p.Val845Ile). This variant is present in population databases (rs368343296, gnomAD 0.01%). This variant has not been reported in the literature in individuals affected with USP53-related conditions. ClinVar contains an entry for this variant (Variation ID: 2170285). Invitae Evidence Modeling of protein sequence and biophysical properties (such as structural, functional, and spatial information, amino acid conservation, physicochemical variation, residue mobility, and thermodynamic stability) indicates that this missense variant is not expected to disrupt USP53 protein function with a negative predictive value of 80%. In summary, the available evidence is currently insufficient to determine the role of this variant in disease. Therefore, it has been classified as a Variant of Uncertain Significance.

NM_001371395.1(USP53):c.2533G>A (p.Val845Ile)

Gene: USP53 (ubiquitin specific peptidase 53; plus strand). Cytogenetic location: 4q26.
Variant type: single nucleotide variant.
Coding change: c.2533G>A on transcript NM_001371395.1 (MANE Select); coding-DNA position 2533, G replaced by A.
Protein change: p.Val845Ile; replaces valine 845 with isoleucine.
Molecular consequence: missense variant. On other transcripts: 3 prime UTR variant (4).
Genome position (GRCh38, 1-based): chr4:119,292,522, G>A. VCF-style: chr4-119292522-G-A. GRCh37 (hg19) VCF-style: chr4-120213677-G-A.
Other names: c.2380G>A, p.Val794Ile (NM_001371396.1, NM_001389661.1); c.*33G>A (NM_001371397.1, NM_001371398.1, NM_001389666.1 and 1 more transcripts); c.2533G>A, p.Val845Ile (NM_001371399.1, NM_001389658.1, NM_001389659.1 and 1 more transcripts); c.2383G>A, p.Val795Ile (NM_001389660.1); c.2185G>A, p.Val729Ile (NM_001389662.1, NM_001389663.1, NM_001389664.1); c.2032G>A, p.Val678Ile (NM_001389665.1); c.2533G>A (NM_019050.2); short protein forms V729I, V795I, V794I, V678I, V845I.
Identifiers: ClinVar variation 2170285 (VCV002170285.6), dbSNP rs368343296, ClinGen allele CA3059406.